The following is an entry in ClinVar:

ClinVar aggregate classification (germline): Conflicting classifications of pathogenicity. Review status: criteria provided, conflicting classifications (1 of 4 stars). 4 submissions from 4 submitters: Uncertain significance (3); Benign (1). Last evaluated 2024-04-17.

Conditions:
Hereditary nonpolyposis colorectal neoplasms. Identifiers: MedGen C0009405, MeSH D003123.
Hereditary cancer-predisposing syndrome. Also called: Hereditary Cancer Syndrome; Neoplastic Syndromes, Hereditary; Tumor predisposition; Hereditary neoplastic syndrome. Identifiers: Orphanet 140162, MedGen C0027672, MeSH D009386, MONDO:0015356.
Endometrial carcinoma. Also called: Endometrial carcinoma, somatic. Identifiers: MedGen C0476089, MONDO:0002447, OMIM 608089, HP:0012114.

gnomAD v4.1: 3 of 1,614,004 alleles (0.00019%); highest among the groups gnomAD compares: African/African-American, 0.004%; no homozygotes.

Submissions (4):

Labcorp Genetics (formerly Invitae), Labcorp
Classification: Benign for Hereditary nonpolyposis colorectal neoplasms. Last evaluated: 2024-04-17. Review status: criteria provided, single submitter. Criteria: Invitae Variant Classification Sherloc (09022015). Collection method: clinical testing. Allele origin: germline.

Color Diagnostics, LLC DBA Color Health
Classification: Uncertain significance for Hereditary cancer-predisposing syndrome. Last evaluated: 2023-12-05. Review status: criteria provided, single submitter. Criteria: ACMG Guidelines, 2015. Collection method: clinical testing. Allele origin: germline.
Comment: This missense variant replaces phenylalanine with leucine at codon 1088 of the MSH6 protein. Computational prediction is inconclusive regarding the impact of this variant on protein structure and function (internally defined REVEL score threshold 0.5 < inconclusive < 0.7, PMID: 27666373). To our knowledge, functional studies have not been reported for this variant. This variant has not been reported in individuals affected with MSH6-related disorders in the literature. This variant has been identified in 1/31404 chromosomes in the general population by the Genome Aggregation Database (gnomAD). The available evidence is insufficient to determine the role of this variant in disease conclusively. Therefore, this variant is classified as a Variant of Uncertain Significance.

Ambry Genetics
Classification: Uncertain significance for Hereditary cancer-predisposing syndrome. Last evaluated: 2023-11-29. Review status: criteria provided, single submitter. Criteria: Ambry Variant Classification Scheme 2023. Collection method: clinical testing. Allele origin: germline.
Comment: The p.F1088L variant (also known as c.3264C>G), located in coding exon 5 of the MSH6 gene, results from a C to G substitution at nucleotide position 3264. The phenylalanine at codon 1088 is replaced by leucine, an amino acid with highly similar properties. This amino acid position is highly conserved in available vertebrate species. In addition, this alteration is predicted to be deleterious by in silico analysis. Since supporting evidence is limited at this time, the clinical significance of this alteration remains unclear.

Baylor Genetics
Classification: Uncertain significance for Endometrial carcinoma. Last evaluated: 2023-06-01. Review status: criteria provided, single submitter. Criteria: ACMG Guidelines, 2015. Collection method: clinical testing. Allele origin: unknown.

NM_000179.3(MSH6):c.3264C>G (p.Phe1088Leu)

Gene: MSH6 (mutS homolog 6; plus strand). Cytogenetic location: 2p16.3.
Variant type: single nucleotide variant.
Coding change: c.3264C>G on transcript NM_000179.3 (MANE Select); coding-DNA position 3264, C replaced by G.
Protein change: p.Phe1088Leu; replaces phenylalanine 1088 with leucine.
Molecular consequence: missense variant.
Genome position (GRCh38, 1-based): chr2:47,803,511, C>G. VCF-style: chr2-47803511-C-G. GRCh37 (hg19) VCF-style: chr2-48030650-C-G.
Other names: c.2358C>G, p.Phe786Leu (NM_001281493.2, NM_001281494.2); c.2874C>G, p.Phe958Leu (NM_001281492.2); short protein forms F1088L, F958L, F786L.
Identifiers: ClinVar variation 479972 (VCV000479972.18), dbSNP rs35621414, ClinGen allele CA346758170.